The following is an entry in ClinVar:

ClinVar aggregate classification (germline): Uncertain significance (1 of 4 stars; one submission).

Conditions:
Congenital myasthenic syndrome 8. Also called: MYASTHENIC SYNDROME, CONGENITAL, DUE TO AGRIN DEFICIENCY; Myasthenic syndrome, congenital, 8, with pre- and postsynaptic defects. Identifiers: Orphanet 590, MedGen C3808739, MONDO:0014052, OMIM 615120.

Allele frequency attached by ClinVar (database versions not stated): ExAC 0.00001.
gnomAD v4.1: 40 of 1,612,806 alleles (0.0025%); highest among the groups gnomAD compares: Non-Finnish European, 0.0034%; no homozygotes.

Submission:

Labcorp Genetics (formerly Invitae), Labcorp
Classification: Uncertain significance for Congenital myasthenic syndrome 8. Last evaluated: 2025-08-18. Review status: criteria provided, single submitter. Criteria: Invitae Variant Classification Sherloc (09022015). Collection method: clinical testing. Allele origin: germline.
Comment: This sequence change replaces arginine, which is basic and polar, with serine, which is neutral and polar, at codon 1167 of the AGRN protein (p.Arg1167Ser). This variant is present in population databases (rs745963689, gnomAD 0.002%). This variant has not been reported in the literature in individuals affected with AGRN-related conditions. ClinVar contains an entry for this variant (Variation ID: 2181220). An algorithm developed to predict the effect of missense changes on protein structure and function (PolyPhen-2) suggests that this variant is likely to be disruptive. In summary, the available evidence is currently insufficient to determine the role of this variant in disease. Therefore, it has been classified as a Variant of Uncertain Significance.

NM_198576.4(AGRN):c.3501G>T (p.Arg1167Ser)

Gene: AGRN (agrin; plus strand). Cytogenetic location: 1p36.33.
Variant type: single nucleotide variant.
Coding change: c.3501G>T on transcript NM_198576.4 (MANE Select); coding-DNA position 3501, G replaced by T.
Protein change: p.Arg1167Ser; replaces arginine 1167 with serine.
Molecular consequence: missense variant.
Genome position (GRCh38, 1-based): chr1:1,047,439, G>T. VCF-style: chr1-1047439-G-T. GRCh37 (hg19) VCF-style: chr1-982819-G-T.
Other names: c.3501G>T, p.Arg1167Ser (NM_001305275.2); c.3186G>T, p.Arg1062Ser (NM_001364727.2); short protein forms R1062S, R1167S.
Identifiers: ClinVar variation 2181220 (VCV002181220.2), dbSNP rs745963689, ClinGen allele CA509086.
Genomic context (GRCh38, chr1:1,047,439, plus strand): 5'-GCTGTTCTACACGCCCGAGATGGCTGACCCCAAGTCAGAACTGTTCGGGGAGACAGCCAG[G>T]AGCATTGAGAGCACCGTAAGACGGGGGCGCAGCCCCCACCTACCCACTGGCCTTCCTCCC-3'
Protein context (NP_940978.2, residues 1157-1177): PKSELFGETA[Arg1167Ser]SIESTLDDLF